The following is an entry in ClinVar:

ClinVar aggregate classification (germline): Uncertain significance (1 of 4 stars; one submission).

Submission:

GeneDx
Classification: Uncertain significance. Last evaluated: 2024-02-28. Review status: criteria provided, single submitter. Criteria: GeneDx Variant Classification Process June 2021. Collection method: clinical testing. Allele origin: germline. Affected: yes.
Comment: Not observed at significant frequency in large population cohorts (gnomAD); In silico analysis supports that this missense variant does not alter protein structure/function; Has not been previously published as pathogenic or benign to our knowledge; This variant is associated with the following publications: (PMID: 25942534, 25678562, 23521649)

NM_001130823.3(DNMT1):c.1082A>T (p.Asn361Ile)

Gene: DNMT1 (DNA methyltransferase 1; minus strand). Cytogenetic location: 19p13.2.
Variant type: single nucleotide variant.
Coding change: c.1082A>T on transcript NM_001130823.3 (MANE Select); coding-DNA position 1082, A replaced by T.
Protein change: p.Asn361Ile; replaces asparagine 361 with isoleucine.
Molecular consequence: missense variant.
Genome position (GRCh38, 1-based): chr19:10,160,025, T>A on the plus strand (A>T on the coding strand, the complement: DNMT1 is on the minus strand). VCF-style: chr19-10160025-T-A. GRCh37 (hg19) VCF-style: chr19-10270701-T-A.
Other names: c.1034A>T, p.Asn345Ile (NM_001318730.2, NM_001379.4); c.719A>T, p.Asn240Ile (NM_001318731.2); short protein forms N240I, N345I, N361I.
Identifiers: ClinVar variation 3373473 (VCV003373473.1).